The following is an entry in ClinVar:

ClinVar aggregate classification (germline): Uncertain significance (1 of 4 stars; one submission).

Conditions:
RANBP2-related disorder. Also called: RANBP2-related condition.

Allele frequency attached by ClinVar (database versions not stated): gnomAD exomes below 0.00001.
gnomAD v4.1: 1 of 1,613,126 alleles (0.000062%); highest among the groups gnomAD compares: Admixed American, 0.0017%; no homozygotes.

Submission:

PreventionGenetics, part of Exact Sciences
Classification: Uncertain significance for RANBP2-related condition. Last evaluated: 2023-05-08. Review status: criteria provided, single submitter. Criteria: ACMG Guidelines, 2015. Collection method: clinical testing. Allele origin: germline.
Comment: The RANBP2 c.8266G>C variant is predicted to result in the amino acid substitution p.Glu2756Gln. To our knowledge, this variant has not been reported in the literature. This variant is reported in 0.0029% of alleles in individuals of Latino descent in gnomAD. At this time, the clinical significance of this variant is uncertain due to the absence of conclusive functional and genetic evidence.

NM_006267.5(RANBP2):c.8266G>C (p.Glu2756Gln)

Gene: RANBP2 (RAN binding protein 2; plus strand). Cytogenetic location: 2q13.
Variant type: single nucleotide variant.
Coding change: c.8266G>C on transcript NM_006267.5 (MANE Select); coding-DNA position 8266, G replaced by C.
Protein change: p.Glu2756Gln; replaces glutamic acid 2756 with glutamine.
Molecular consequence: missense variant.
Genome position (GRCh38, 1-based): chr2:108,773,020, G>C. VCF-style: chr2-108773020-G-C. GRCh37 (hg19) VCF-style: chr2-109389476-G-C.
Other names: c.8344G>C, p.Glu2782Gln (NM_001415871.1); c.8263G>C, p.Glu2755Gln (NM_001415872.1); c.8266G>C, p.Glu2756Gln (NM_001415873.1); short protein forms E2755Q, E2756Q, E2782Q.
Identifiers: ClinVar variation 2629130 (VCV002629130.1), dbSNP rs1004497377, ClinGen allele CA348083017.